The following is an entry in ClinVar:

ClinVar aggregate classification (germline): Uncertain significance (1 of 4 stars; one submission).

Conditions:
Primary ciliary dyskinesia. Also called: Ciliary dyskinesia. Identifiers: Orphanet 244, MedGen C0008780, MONDO:0016575, HP:0012265.

gnomAD v4.1: 9 of 1,606,384 alleles (0.00056%); highest among the groups gnomAD compares: South Asian, 0.0044%; no homozygotes.

Submission:

Ambry Genetics
Classification: Uncertain significance for Primary ciliary dyskinesia. Last evaluated: 2025-03-25. Review status: criteria provided, single submitter. Criteria: Ambry Variant Classification Scheme 2023. Collection method: clinical testing. Allele origin: germline.
Comment: The p.E158K variant (also known as c.472G>A), located in coding exon 1 of the DNAAF2 gene, results from a G to A substitution at nucleotide position 472. The glutamic acid at codon 158 is replaced by lysine, an amino acid with similar properties. This amino acid position is conserved. In addition, this alteration is predicted to be tolerated by in silico analysis. Based on the available evidence, the clinical significance of this variant remains unclear.

NM_018139.3(DNAAF2):c.472G>A (p.Glu158Lys)

Gene: DNAAF2 (dynein axonemal assembly factor 2; minus strand). Cytogenetic location: 14q21.3.
Variant type: single nucleotide variant.
Coding change: c.472G>A on transcript NM_018139.3 (MANE Select); coding-DNA position 472, G replaced by A.
Protein change: p.Glu158Lys; replaces glutamic acid 158 with lysine.
Molecular consequence: missense variant.
Genome position (GRCh38, 1-based): chr14:49,634,678, C>T on the plus strand (G>A on the coding strand, the complement: DNAAF2 is on the minus strand). VCF-style: chr14-49634678-C-T. GRCh37 (hg19) VCF-style: chr14-50101396-C-T.
Other names: c.472G>A, p.Glu158Lys (NM_001083908.2); short protein forms E158K.
Identifiers: ClinVar variation 4012478 (VCV004012478.1).